The following is an entry in ClinVar:

ClinVar aggregate classification (germline): Uncertain significance. Review status: criteria provided, multiple submitters, no conflicts (2 of 4 stars). 2 submissions from 2 submitters: Uncertain significance (2). Last evaluated 2024-11-18.

Conditions:
Mucopolysaccharidosis, MPS-III-A (MPS3A). Also called: HEPARAN SULFATE SULFATASE DEFICIENCY; SANFILIPPO SYNDROME A; SULFAMIDASE DEFICIENCY; MPS III A; MPS IIIA (Sanfilippo Syndrome Type A); Mucopolysaccharidosis type IIIA (Sanfilippo A). Identifiers: Orphanet 581, Orphanet 79269, MedGen C0086647, MONDO:0009655, OMIM 252900.

Allele frequency attached by ClinVar (database versions not stated): gnomAD 0.00002 and 0.00003; gnomAD exomes 0.00005 and 0.00004; 1000 Genomes Project 30x 0.00016; 1000 Genomes Project 0.00020; TOPMed 0.00004; ExAC 0.00005.
gnomAD v4.1: 78 of 1,613,394 alleles (0.0048%); highest among the groups gnomAD compares: Non-Finnish European, 0.0057%; no homozygotes.

Submissions (2):

Labcorp Genetics (formerly Invitae), Labcorp
Classification: Uncertain significance for Mucopolysaccharidosis, MPS-III-A. Last evaluated: 2024-11-18. Review status: criteria provided, single submitter. Criteria: Invitae Variant Classification Sherloc (09022015). Collection method: clinical testing. Allele origin: germline.
Comment: This sequence change replaces arginine, which is basic and polar, with tryptophan, which is neutral and slightly polar, at codon 160 of the SGSH protein (p.Arg160Trp). This variant is present in population databases (rs189571889, gnomAD 0.007%). This variant has not been reported in the literature in individuals affected with SGSH-related conditions. ClinVar contains an entry for this variant (Variation ID: 1441065). Invitae Evidence Modeling of protein sequence and biophysical properties (such as structural, functional, and spatial information, amino acid conservation, physicochemical variation, residue mobility, and thermodynamic stability) indicates that this missense variant is expected to disrupt SGSH protein function with a positive predictive value of 95%. In summary, the available evidence is currently insufficient to determine the role of this variant in disease. Therefore, it has been classified as a Variant of Uncertain Significance.

Blueprint Genetics
Classification: Uncertain significance. Last evaluated: 2022-03-08. Review status: criteria provided, single submitter. Criteria: ACMG Guidelines, 2015. Collection method: clinical testing. Allele origin: germline.

NM_000199.5(SGSH):c.478C>T (p.Arg160Trp)

Gene: SGSH (N-sulfoglucosamine sulfohydrolase; minus strand). Cytogenetic location: 17q25.3.
Variant type: single nucleotide variant.
Coding change: c.478C>T on transcript NM_000199.5 (MANE Select); coding-DNA position 478, C replaced by T.
Protein change: p.Arg160Trp; replaces arginine 160 with tryptophan.
Molecular consequence: missense variant. On other transcripts: non-coding transcript variant (1).
Genome position (GRCh38, 1-based): chr17:80,214,643, G>A on the plus strand (C>T on the coding strand, the complement: SGSH is on the minus strand). VCF-style: chr17-80214643-G-A. GRCh37 (hg19) VCF-style: chr17-78188442-G-A.
Other names: c.478C>T, p.Arg160Trp (NM_001352921.3, NM_001352922.2); short protein forms R160W.
Identifiers: ClinVar variation 1441065 (VCV001441065.5), dbSNP rs189571889, ClinGen allele CA8818004.